The following is an entry in ClinVar:

ClinVar aggregate classification (germline): Uncertain significance (1 of 4 stars; one submission).

Allele frequency attached by ClinVar (database versions not stated): gnomAD exomes below 0.00001; TOPMed below 0.00001; ExAC 0.00001.
gnomAD v4.1: 4 of 1,612,844 alleles (0.00025%); highest among the groups gnomAD compares: Non-Finnish European, 0.00034%; no homozygotes.

Submission:

Labcorp Genetics (formerly Invitae), Labcorp
Classification: Uncertain significance. Last evaluated: 2023-09-30. Review status: criteria provided, single submitter. Criteria: Invitae Variant Classification Sherloc (09022015). Collection method: clinical testing. Allele origin: germline.
Comment: In summary, the available evidence is currently insufficient to determine the role of this variant in disease. Therefore, it has been classified as a Variant of Uncertain Significance. Advanced modeling of protein sequence and biophysical properties (such as structural, functional, and spatial information, amino acid conservation, physicochemical variation, residue mobility, and thermodynamic stability) performed at Invitae indicates that this missense variant is expected to disrupt ROR2 protein function. This variant has not been reported in the literature in individuals affected with ROR2-related conditions. This variant is present in population databases (rs761308967, gnomAD 0.002%). This sequence change replaces leucine, which is neutral and non-polar, with proline, which is neutral and non-polar, at codon 251 of the ROR2 protein (p.Leu251Pro).

NM_004560.4(ROR2):c.752T>C (p.Leu251Pro)

Gene: ROR2 (receptor tyrosine kinase like orphan receptor 2; minus strand). Cytogenetic location: 9q22.31.
Variant type: single nucleotide variant.
Coding change: c.752T>C on transcript NM_004560.4 (MANE Select); coding-DNA position 752, T replaced by C.
Protein change: p.Leu251Pro; replaces leucine 251 with proline.
Molecular consequence: missense variant.
Genome position (GRCh38, 1-based): chr9:91,733,307, A>G on the plus strand (T>C on the coding strand, the complement: ROR2 is on the minus strand). VCF-style: chr9-91733307-A-G. GRCh37 (hg19) VCF-style: chr9-94495589-A-G.
Other names: c.752T>C, p.Leu251Pro (NM_001318204.2); short protein forms L251P.
Identifiers: ClinVar variation 2801453 (VCV002801453.3), dbSNP rs761308967, ClinGen allele CA5120902.
Genomic context (GRCh38, chr9:91,733,307, plus strand): 5'-GCGATGGTGTACTCCTGGCGGCACAGGTCGCTCTCCAGCACCTCGCACTCGTCGCGGCAC[A>G]GCTCACGCGGCTTGGGTGTCCGGGAGCGCGCGTCGCACAGAGGAAACACGAAGTGGCAGA-3'
Protein context (NP_004551.2, residues 241-261): ARSRTPKPRE[Leu251Pro]CRDECEVLES